The following is an entry in ClinVar:

ClinVar aggregate classification (germline): Uncertain significance (1 of 4 stars; one submission).

gnomAD v4.1: 3 of 1,613,854 alleles (0.00019%); highest among the groups gnomAD compares: Admixed American, 0.005%; no homozygotes.

Submission:

GeneDx
Classification: Uncertain significance. Last evaluated: 2025-03-17. Review status: criteria provided, single submitter. Criteria: GeneDx Variant Classification Process June 2021. Collection method: clinical testing. Allele origin: germline. Affected: yes.
Comment: Not observed at significant frequency in large population cohorts (gnomAD); In silico analysis supports that this missense variant has a deleterious effect on protein structure/function; Has not been previously published as pathogenic or benign to our knowledge

NM_032634.4(PIGO):c.451A>G (p.Ser151Gly)

Gene: PIGO (phosphatidylinositol glycan anchor biosynthesis class O; minus strand). Cytogenetic location: 9p13.3.
Variant type: single nucleotide variant.
Coding change: c.451A>G on transcript NM_032634.4 (MANE Select); coding-DNA position 451, A replaced by G.
Protein change: p.Ser151Gly; replaces serine 151 with glycine.
Molecular consequence: missense variant.
Genome position (GRCh38, 1-based): chr9:35,095,115, T>C on the plus strand (A>G on the coding strand, the complement: PIGO is on the minus strand). VCF-style: chr9-35095115-T-C. GRCh37 (hg19) VCF-style: chr9-35095112-T-C.
Other names: c.451A>G, p.Ser151Gly (NM_001201484.2, NM_152850.4); short protein forms S151G.
Identifiers: ClinVar variation 4086565 (VCV004086565.1).